The following is an entry in ClinVar:

NM_014714.4(IFT140):c.4207del (p.Arg1403fs)

Gene: IFT140 (intraflagellar transport 140; minus strand). Cytogenetic location: 16p13.3.
Variant type: Deletion.
Coding change: c.4207del on transcript NM_014714.4 (MANE Select); coding-DNA position 4207, one base deleted (C; older notation c.4207delC).
Protein change: p.Arg1403fs; shifts the reading frame from arginine 1403.
Molecular consequence: frameshift variant.
Genome position (GRCh38, 1-based): chr16:1,511,126, G deleted on the plus strand (C on the coding strand, the reverse complement: IFT140 is on the minus strand). VCF-style (leftmost placement, unchanged base first): chr16-1511125-CG-C. GRCh37 (hg19) VCF-style: chr16-1561126-CG-C.
Other names: short protein forms R1403fs.
Identifiers: ClinVar variation 2858569 (VCV002858569.3), dbSNP rs2506017494, ClinGen allele CA2631006935.

ClinVar aggregate classification (germline): Uncertain significance (1 of 4 stars; one submission).

Conditions:
Saldino-Mainzer syndrome (SRTD9). Also called: CONORENAL SYNDROME; Renal dysplasia, retinal pigmentary dystrophy, cerebellar ataxia and skeletal dysplasia; SHORT-RIB THORACIC DYSPLASIA 9 WITHOUT POLYDACTYLY; short-rib thoracic dysplasia 9 with or without polydactyly. Identifiers: Orphanet 140969, MedGen C1849437, MONDO:0009964, OMIM 266920.

Allele frequency attached by ClinVar (database versions not stated): gnomAD exomes below 0.00001.

Submission:

Labcorp Genetics (formerly Invitae), Labcorp
Classification: Uncertain significance for Saldino-Mainzer syndrome. Last evaluated: 2025-04-16. Review status: criteria provided, single submitter. Criteria: Invitae Variant Classification Sherloc (09022015). Collection method: clinical testing. Allele origin: germline.
Comment: This sequence change creates a premature translational stop signal (p.Arg1403Glyfs*13) in the IFT140 gene. While this is not anticipated to result in nonsense mediated decay, it is expected to disrupt the last 60 amino acid(s) of the IFT140 protein. This variant is not present in population databases (gnomAD no frequency). This premature translational stop signal has been observed in individual(s) with clinical features of IFT140-related conditions and/or retinitis pigmentosa (PMID: 38531366; internal data). In at least one individual the data is consistent with being in trans (on the opposite chromosome) from a pathogenic variant. ClinVar contains an entry for this variant (Variation ID: 2858569). Experimental studies and prediction algorithms are not available or were not evaluated, and the functional significance of this variant is currently unknown. In summary, the available evidence is currently insufficient to determine the role of this variant in disease. Therefore, it has been classified as a Variant of Uncertain Significance.

Literature cited by the submitters: PubMed 38531366.